The following is an entry in ClinVar:

NM_000059.4(BRCA2):c.6174del (p.Phe2058fs)

Gene: BRCA2 (BRCA2 DNA repair associated; plus strand). Cytogenetic location: 13q13.1.
Variant type: Deletion.
Coding change: c.6174del on transcript NM_000059.4 (MANE Select); coding-DNA position 6174, one base deleted (T; older notation c.6174delT).
Protein change: p.Phe2058fs; shifts the reading frame from phenylalanine 2058.
Molecular consequence: frameshift variant.
Genome position (GRCh38, 1-based): chr13:32,340,529, T deleted; the last of 3 consecutive T bases (chr13:32,340,527-32,340,529); deleting any one gives the same sequence. VCF-style (leftmost placement, unchanged base first): chr13-32340526-AT-A. GRCh37 (hg19) VCF-style: chr13-32914663-AT-A.
Other names: c.6174delT (NM_000059.3); short protein forms F2058fs.
Identifiers: ClinVar variation 188434 (VCV000188434.5), dbSNP rs786204278, ClinGen allele CA023718.

ClinVar aggregate classification (germline): Pathogenic. Review status: reviewed by expert panel (3 of 4 stars). 2 submissions from 2 submitters: Pathogenic (1). 1 of the submissions does not count toward it. Last evaluated 2016-09-08.

Conditions:
Breast-ovarian cancer, familial, susceptibility to, 2 (BROVCA2). Also called: BRCA2 Hereditary Breast and Ovarian Cancer. Identifiers: Orphanet 145, MedGen C2675520, MONDO:0012933, OMIM 612555. Disease mechanism: loss of function.

Submissions (2):

Evidence-based Network for the Interpretation of Germline Mutant Alleles (ENIGMA)
Classification: Pathogenic for Breast-ovarian cancer, familial, susceptibility to, 2. Last evaluated: 2016-09-08. Review status: reviewed by expert panel. Criteria: ENIGMA BRCA1/2 Classification Criteria (2015). Collection method: curation. Allele origin: germline.
Comment: Variant allele predicted to encode a truncated non-functional protein.

Myriad Genetics, Inc.
Classification: Pathogenic for Breast-ovarian cancer, familial, susceptibility to, 2. Last evaluated: 2025-07-28. Review status: criteria provided, single submitter. Criteria: Myriad Autosomal Dominant, Autosomal Recessive and X-Linked Classification Criteria (2023). Collection method: clinical testing. Allele origin: unknown. Not counted in ClinVar's aggregate classification.
Comment: This variant is considered pathogenic. This variant creates a frameshift predicted to result in premature protein truncation.